The following is an entry in ClinVar:

NM_001111125.3(IQSEC2):c.264G>C (p.Gln88His)

Gene: IQSEC2 (IQ motif and Sec7 domain ArfGEF 2; minus strand). Cytogenetic location: Xp11.22.
Variant type: single nucleotide variant.
Coding change: c.264G>C on transcript NM_001111125.3 (MANE Select); coding-DNA position 264, G replaced by C.
Protein change: p.Gln88His; replaces glutamine 88 with histidine.
Molecular consequence: missense variant.
Genome position (GRCh38, 1-based): chrX:53,320,860, C>G on the plus strand (G>C on the coding strand, the complement: IQSEC2 is on the minus strand). VCF-style: chrX-53320860-C-G. GRCh37 (hg19) VCF-style: chrX-53350058-C-G.
Other names: c.264G>C, p.Gln88His (NM_001410736.1, NM_001441092.1); short protein forms Q88H.
Identifiers: ClinVar variation 4767635 (VCV004767635.1).
Genomic context (GRCh38, chrX:53,320,860, plus strand): 5'-GTGGAACTGGCTCTCCCGCAGCTCGCGGTGGTGGAACTGGGTCTCGCGCAGGTTCTGGTA[C>G]TGGCTCTCGCGGCCCGGGCTATCCCGCGCGCCGTGGGGGTCCCGGTGCAGCTCCCCGCGG-3'
Protein context (NP_001104595.1, residues 78-98): GARDSPGRES[Gln88His]YQNLRETQFH

ClinVar aggregate classification (germline): Uncertain significance (1 of 4 stars; one submission).

Conditions:
Intellectual developmental disorder, X-linked 1. Also called: Atkin Flaitz Patil Smith syndrome; MENTAL RETARDATION, X-LINKED 18; MENTAL RETARDATION, X-LINKED 78; Intellectual disability, X-linked 1. Identifiers: Orphanet 777, MedGen C2931498, MONDO:0010656, OMIM 309530.

Submission:

Labcorp Genetics (formerly Invitae), Labcorp
Classification: Uncertain significance for Intellectual developmental disorder, X-linked 1. Last evaluated: 2025-10-29. Review status: criteria provided, single submitter. Criteria: Invitae Variant Classification Sherloc (09022015). Collection method: clinical testing. Allele origin: germline.
Comment: This sequence change replaces glutamine, which is neutral and polar, with histidine, which is basic and polar, at codon 88 of the IQSEC2 protein (p.Gln88His). This variant is not present in population databases (gnomAD no frequency). This variant has not been reported in the literature in individuals affected with IQSEC2-related conditions. Invitae Evidence Modeling of protein sequence and biophysical properties (such as structural, functional, and spatial information, amino acid conservation, physicochemical variation, residue mobility, and thermodynamic stability) indicates that this missense variant is not expected to disrupt IQSEC2 protein function with a negative predictive value of 95%. In summary, the available evidence is currently insufficient to determine the role of this variant in disease. Therefore, it has been classified as a Variant of Uncertain Significance.